The following is an entry in ClinVar:

NM_018051.5(DYNC2I1):c.714G>T (p.Glu238Asp)

Gene: DYNC2I1 (dynein 2 intermediate chain 1; plus strand). Cytogenetic location: 7q36.3.
Variant type: single nucleotide variant.
Coding change: c.714G>T on transcript NM_018051.5 (MANE Select); coding-DNA position 714, G replaced by T.
Protein change: p.Glu238Asp; replaces glutamic acid 238 with aspartic acid.
Molecular consequence: missense variant. On other transcripts: 5 prime UTR variant (3).
Genome position (GRCh38, 1-based): chr7:158,879,824, G>T. VCF-style: chr7-158879824-G-T. GRCh37 (hg19) VCF-style: chr7-158672515-G-T.
Other names: c.576G>T, p.Glu192Asp (NM_001350914.2); c.197G>T, p.Arg66Ile (NM_001350915.2); c.-645G>T (NM_001350916.2); c.-653G>T (NM_001350917.2); c.-772G>T (NM_001350918.2); short protein forms E192D, R66I, E238D.
Identifiers: ClinVar variation 707055 (VCV000707055.16), dbSNP rs150548113, ClinGen allele CA4594378.

ClinVar aggregate classification (germline): Likely benign. Review status: criteria provided, multiple submitters, no conflicts (2 of 4 stars). 4 submissions from 4 submitters: Likely benign (3). 1 of the submissions does not count toward it. Last evaluated 2026-01-30.

Conditions:
DYNC2I1-related disorder. Also called: DYNC2I1-related condition.
Short-rib thoracic dysplasia 8 with or without polydactyly (SRTD8). Also called: SHORT-RIB THORACIC DYSPLASIA 8 WITH POLYDACTYLY. Identifiers: Orphanet 93271, MedGen C3809691, MONDO:0014214, OMIM 615503.

Allele frequency attached by ClinVar (database versions not stated): ExAC 0.00077; gnomAD exomes 0.00098 and 0.00086; ESP Exome Variant Server 0.00101; TOPMed 0.00131; 1000 Genomes Project 30x 0.00141; 1000 Genomes Project 0.00120; gnomAD 0.00095 and 0.00098.
gnomAD v4.1: 1,601 of 1,612,946 alleles (0.099%); highest among the groups gnomAD compares: Admixed American, 0.2%; 3 homozygotes.

Submissions (4):

Labcorp Genetics (formerly Invitae), Labcorp
Classification: Likely benign for Short-rib thoracic dysplasia 8 with or without polydactyly. Last evaluated: 2026-01-30. Review status: criteria provided, single submitter. Criteria: Invitae Variant Classification Sherloc (09022015). Collection method: clinical testing. Allele origin: germline.

Knight Diagnostic Laboratories, Oregon Health and Sciences University
Classification: Likely benign for Short-rib thoracic dysplasia 8 with or without polydactyly. Last evaluated: 2018-06-04. Review status: criteria provided, single submitter. Criteria: ACMG Guidelines, 2015. Collection method: clinical testing. Allele origin: germline. Observed: 1 variant allele.

Breakthrough Genomics
Classification: Likely benign. Review status: criteria provided, single submitter. Criteria: ACMG Guidelines, 2015. Collection method: not provided. Allele origin: germline. Inheritance: Autosomal recessive inheritance. Affected: yes.

PreventionGenetics, part of Exact Sciences
Classification: Likely benign for DYNC2I1-related condition. Last evaluated: 2022-05-09. Review status: no assertion criteria provided. Collection method: clinical testing. Allele origin: germline. Not counted in ClinVar's aggregate classification.
Comment: This variant is classified as likely benign based on ACMG/AMP sequence variant interpretation guidelines (Richards et al. 2015 PMID: 25741868, with internal and published modifications).